The following is an entry in ClinVar:

ClinVar aggregate classification (germline): Uncertain significance (1 of 4 stars; one submission).

Submission:

Labcorp Genetics (formerly Invitae), Labcorp
Classification: Uncertain significance. Last evaluated: 2023-11-27. Review status: criteria provided, single submitter. Criteria: Invitae Variant Classification Sherloc (09022015). Collection method: clinical testing. Allele origin: germline.
Comment: This sequence change replaces asparagine, which is neutral and polar, with aspartic acid, which is acidic and polar, at codon 107 of the STAT4 protein (p.Asn107Asp). This variant is not present in population databases (gnomAD no frequency). This variant has not been reported in the literature in individuals affected with STAT4-related conditions. Advanced modeling of protein sequence and biophysical properties (such as structural, functional, and spatial information, amino acid conservation, physicochemical variation, residue mobility, and thermodynamic stability) performed at Invitae indicates that this missense variant is not expected to disrupt STAT4 protein function with a negative predictive value of 80%. In summary, the available evidence is currently insufficient to determine the role of this variant in disease. Therefore, it has been classified as a Variant of Uncertain Significance.

NM_003151.4(STAT4):c.319A>G (p.Asn107Asp)

Gene: STAT4 (signal transducer and activator of transcription 4; minus strand). Cytogenetic location: 2q32.2.
Variant type: single nucleotide variant.
Coding change: c.319A>G on transcript NM_003151.4 (MANE Select); coding-DNA position 319, A replaced by G.
Protein change: p.Asn107Asp; replaces asparagine 107 with aspartic acid.
Molecular consequence: missense variant.
Genome position (GRCh38, 1-based): chr2:191,076,280, T>C on the plus strand (A>G on the coding strand, the complement: STAT4 is on the minus strand). VCF-style: chr2-191076280-T-C. GRCh37 (hg19) VCF-style: chr2-191941006-T-C.
Other names: c.319A>G, p.Asn107Asp (NM_001243835.2); short protein forms N107D.
Identifiers: ClinVar variation 2867679 (VCV002867679.3), dbSNP rs1337434431, ClinGen allele CA349920536.
Genomic context (GRCh38, chr2:191,076,280, plus strand): 5'-ATATTACCTGGACAGGCATGTTGGCTGCAGCCAATATTCTCCTCTCTTCCCTTAAACAGT[T>C]TGAAATAACCACAGCTACATGCATTGGATTTCCATGAAATTTTCCCTGAAAAAAAAAACA-3'
Protein context (NP_003142.1, residues 97-117): NPMHVAVVIS[Asn107Asp]CLREERRILA